The following is an entry in ClinVar:

ClinVar aggregate classification (germline): Uncertain significance (1 of 4 stars; one submission).

Conditions:
H syndrome. Also called: FAISALABAD HISTIOCYTOSIS; HISTIOCYTOSIS AND LYMPHADENOPATHY WITH OR WITHOUT CUTANEOUS, CARDIAC, AND/OR ENDOCRINE FEATURES, JOINT CONTRACTURES, AND/OR DEAFNESS; HYPERPIGMENTATION, CUTANEOUS, WITH HYPERTRICHOSIS, HEPATOSPLENOMEGALY, HEART ANOMALIES, AND HYPOGONADISM WITH OR WITHOUT HEARING LOSS; PIGMENTED HYPERTRICHOSIS WITH INSULIN-DEPENDENT DIABETES MELLITUS; ROSAI-DORFMAN DISEASE, FAMILIAL; SINUS HISTIOCYTOSIS AND MASSIVE LYMPHADENOPATHY. Identifiers: Orphanet 168569, MedGen C1864445, MONDO:0011273, OMIM 602782.

Submission:

Labcorp Genetics (formerly Invitae), Labcorp
Classification: Uncertain significance for H syndrome. Last evaluated: 2022-05-27. Review status: criteria provided, single submitter. Criteria: Invitae Variant Classification Sherloc (09022015). Collection method: clinical testing. Allele origin: germline.
Comment: This variant has not been reported in the literature in individuals affected with SLC29A3-related conditions. In summary, the available evidence is currently insufficient to determine the role of this variant in disease. Therefore, it has been classified as a Variant of Uncertain Significance. Algorithms developed to predict the effect of missense changes on protein structure and function are either unavailable or do not agree on the potential impact of this missense change (SIFT: "Deleterious"; PolyPhen-2: "Benign"; Align-GVGD: "Class C15"). This variant is not present in population databases (gnomAD no frequency). This sequence change replaces valine, which is neutral and non-polar, with glycine, which is neutral and non-polar, at codon 141 of the SLC29A3 protein (p.Val141Gly).

NM_018344.6(SLC29A3):c.422T>G (p.Val141Gly)

Gene: SLC29A3 (solute carrier family 29 member 3; plus strand). Cytogenetic location: 10q22.1.
Variant type: single nucleotide variant.
Coding change: c.422T>G on transcript NM_018344.6 (MANE Select); coding-DNA position 422, T replaced by G.
Protein change: p.Val141Gly; replaces valine 141 with glycine.
Molecular consequence: missense variant. On other transcripts: non-coding transcript variant (1).
Genome position (GRCh38, 1-based): chr10:71,351,600, T>G. VCF-style: chr10-71351600-T-G. GRCh37 (hg19) VCF-style: chr10-73111357-T-G.
Other names: c.422T>G, p.Val141Gly (NM_001174098.2); c.188T>G, p.Val63Gly (NM_001363518.2); short protein forms V141G, V63G.
Identifiers: ClinVar variation 1999500 (VCV001999500.4), dbSNP rs766076886, ClinGen allele CA377109380.
Genomic context (GRCh38, chr10:71,351,600, plus strand): 5'-GCTTCTGGCATCCTCGCCCCAGGGTTGCAGTCCACATCCGTGTCCTGGCCTCACTGACGG[T>G]CATCCTGGCCATCTTCATGGTGATAACTGCACTGGTGAAGGTGGACACTTCCTCCTGGAC-3'
Protein context (NP_060814.4, residues 131-151): VHIRVLASLT[Val141Gly]ILAIFMVITA